The following is an entry in ClinVar:

ClinVar aggregate classification (germline): Likely pathogenic (1 of 4 stars; one submission).

Conditions:
Intellectual developmental disorder with dysmorphic facies and behavioral abnormalities. Identifiers: MedGen C4748135, MONDO:0060760, OMIM 618089.

Submission:

Pittsburgh Clinical Genomics Laboratory, University of Pittsburgh Medical Center
Classification: Likely pathogenic for Intellectual developmental disorder with dysmorphic facies and behavioral abnormalities. Last evaluated: 2024-06-28. Review status: criteria provided, single submitter. Criteria: ACMG Guidelines, 2015. Collection method: clinical testing. Allele origin: germline. Inheritance: Autosomal dominant inheritance. Affected: yes.
Comment: This sequence variant is deletion of 15 nucleotides and insertion of 1 nucleotide beginning at coding position 792 in the FBXO11 gene; this results in removing the entire exon 6 canonical splice donor site. This variant is predicted to generate a non-functional allele through either the expression of a truncated protein or a loss of F-box protein 11 expression due to nonsense-mediated decay. This novel de novo variant is absent from ClinVar, publications, and the gnomAD v4.1.0 population database (0/~1609000 alleles). Studies examining the functional consequence of this variant have not been performed, to our knowledge. Haploinsufficiency in FBXO11 is a known mechanism of disease (PMID: 29796876, 30057029). Based upon the evidence, we consider this variant to be likely pathogenic. ACMG Criteria: PM2, PS2, PVS1

Literature cited by the submitters: PubMed 29796876; PubMed 30057029.

NM_001190274.2(FBXO11):c.792_801+5delinsT

Gene: FBXO11 (F-box protein 11; minus strand). Cytogenetic location: 2p16.3.
Variant type: Indel.
Coding change: c.792_801+5delinsT on transcript NM_001190274.2 (MANE Select); coding-DNA position 792 through 5 bases into the intron after coding-DNA position 801, AAATATGTTGGTATG replaced by T.
Molecular consequence: splice donor variant.
Genome position (GRCh38, 1-based): chr2:47,834,783-47,834,797, CATACCAACATATTT replaced by A on the plus strand (AAATATGTTGGTATG replaced by T on the coding strand, the reverse complement: FBXO11 is on the minus strand). VCF-style: chr2-47834783-CATACCAACATATTT-A. GRCh37 (hg19) VCF-style: chr2-48061922-CATACCAACATATTT-A.
Other names: c.540_549+5delinsT (NM_001374325.1, NM_025133.4).
Identifiers: ClinVar variation 3376424 (VCV003376424.1).